The following is an entry in ClinVar:

ClinVar aggregate classification (germline): Pathogenic (1 of 4 stars; one submission).

Conditions:
Charcot-Marie-Tooth disease, type I (CMT1). Also called: Charcot-Marie-Tooth disease type 1; Charcot-Marie-Tooth, Type 1. Identifiers: Orphanet 65753, MedGen C0751036, MONDO:0019011.

Submission:

Labcorp Genetics (formerly Invitae), Labcorp
Classification: Pathogenic for Charcot-Marie-Tooth disease, type I. Last evaluated: 2023-11-24. Review status: criteria provided, single submitter. Criteria: Invitae Variant Classification Sherloc (09022015). Collection method: clinical testing. Allele origin: unknown.
Comment: This variant is a gross deletion of the genomic region encompassing exon(s) 3-6 of the MPZ gene, which includes the termination codon. This deletion extends beyond the assayed region for this gene and therefore may encompass additional genes. While this deletion is not anticipated to lead to nonsense mediated decay, it is expected to alter mRNA translation or result in a truncated protein product. This variant has not been reported in the literature in individuals affected with MPZ-related conditions. This variant disrupts a region of the MPZ protein in which other variant(s) (p.Lys236del) have been determined to be pathogenic (PMID: 12207932, 15716547). This suggests that this is a clinically significant region of the protein, and that variants that disrupt it are likely to be disease-causing. For these reasons, this variant has been classified as Pathogenic.

Literature cited by the submitters: PubMed 12207932; PubMed 15716547.

NC_000001.10:g.(?_161275666)_(161276731_?)del

Gene: MPZ (myelin protein zero; minus strand). Cytogenetic location: 1q23.3.
Variant type: Deletion.
Identifiers: ClinVar variation 3247709 (VCV003247709.1).